The following is an entry in ClinVar:

NM_001127222.2(CACNA1A):c.5081T>A (p.Val1694Asp)

Gene: CACNA1A (calcium voltage-gated channel subunit alpha1 A; minus strand). Cytogenetic location: 19p13.13.
Variant type: single nucleotide variant.
Coding change: c.5081T>A on transcript NM_001127222.2 (MANE Select); coding-DNA position 5081, T replaced by A.
Protein change: p.Val1694Asp; replaces valine 1694 with aspartic acid.
Molecular consequence: missense variant.
Genome position (GRCh38, 1-based): chr19:13,235,261, A>T on the plus strand (T>A on the coding strand, the complement: CACNA1A is on the minus strand). VCF-style: chr19-13235261-A-T. GRCh37 (hg19) VCF-style: chr19-13346075-A-T.
Other names: c.5099T>A, p.Val1700Asp (NM_000068.4, NM_023035.3); c.5084T>A, p.Val1695Asp (NM_001127221.2); c.5090T>A, p.Val1697Asp (NM_001174080.2); short protein forms V1695D, V1700D, V1694D, V1697D.
Identifiers: ClinVar variation 4789716 (VCV004789716.1).

ClinVar aggregate classification (germline): Likely pathogenic (1 of 4 stars; one submission).

Conditions:
Episodic ataxia type 2 (EA2). Also called: ACETAZOLAMIDE-RESPONSIVE HEREDITARY PAROXYSMAL CEREBELLAR ATAXIA; ATAXIA, EPISODIC, WITH NYSTAGMUS; ATAXIA, FAMILIAL PAROXYSMAL; CEREBELLAR ATAXIA, PAROXYSMAL, ACETAZOLAMIDE-RESPONSIVE; CEREBELLOPATHY, HEREDITARY PAROXYSMAL; EPISODIC ATAXIA, NYSTAGMUS-ASSOCIATED. Identifiers: Orphanet 97, MedGen C1720416, MONDO:0007163, OMIM 108500.
Developmental and epileptic encephalopathy, 42 (DEE42A). Also called: Epileptic encephalopathy, early infantile, 42; DEVELOPMENTAL AND EPILEPTIC ENCEPHALOPATHY 42A; EPILEPTIC ENCEPHALOPATHY, EARLY INFANTILE, 42A. Identifiers: MedGen C4310716, MONDO:0014917, OMIM 617106.

Submission:

Labcorp Genetics (formerly Invitae), Labcorp
Classification: Likely pathogenic for Developmental and epileptic encephalopathy, 42; Episodic ataxia type 2. Last evaluated: 2025-04-03. Review status: criteria provided, single submitter. Criteria: Invitae Variant Classification Sherloc (09022015). Collection method: clinical testing. Allele origin: germline.
Comment: This sequence change replaces valine, which is neutral and non-polar, with aspartic acid, which is acidic and polar, at codon 1695 of the CACNA1A protein (p.Val1695Asp). This variant is not present in population databases (gnomAD no frequency). This variant has not been reported in the literature in individuals affected with CACNA1A-related conditions. Invitae Evidence Modeling of protein sequence and biophysical properties (such as structural, functional, and spatial information, amino acid conservation, physicochemical variation, residue mobility, and thermodynamic stability) indicates that this missense variant is expected to disrupt CACNA1A protein function with a positive predictive value of 95%. This variant disrupts the p.Val1695 amino acid residue in CACNA1A. Other variant(s) that disrupt this residue have been determined to be pathogenic (PMID: 18498393). This suggests that this residue is clinically significant, and that variants that disrupt this residue are likely to be disease-causing. In summary, the currently available evidence indicates that the variant is pathogenic, but additional data are needed to prove that conclusively. Therefore, this variant has been classified as Likely Pathogenic.

Literature cited by the submitters: PubMed 18498393.